The following is an entry in ClinVar:

NM_001128228.3(TPRN):c.709C>T (p.Arg237Cys)

Gene: TPRN (taperin; minus strand). Cytogenetic location: 9q34.3.
Variant type: single nucleotide variant.
Coding change: c.709C>T on transcript NM_001128228.3 (MANE Select); coding-DNA position 709, C replaced by T.
Protein change: p.Arg237Cys; replaces arginine 237 with cysteine.
Molecular consequence: missense variant.
Genome position (GRCh38, 1-based): chr9:137,200,003, G>A on the plus strand (C>T on the coding strand, the complement: TPRN is on the minus strand). VCF-style: chr9-137200003-G-A. GRCh37 (hg19) VCF-style: chr9-140094455-G-A.
Other names: short protein forms R237C.
Identifiers: ClinVar variation 4711100 (VCV004711100.1).
Genomic context (GRCh38, chr9:137,200,003, plus strand): 5'-GATCCCCCGACTCCACCTTTGGCTTCCACTGTCCCGACCCAGGCGGGGAGCCCGCGAGGC[G>A]GTTGGCAGGGCCGGCCCGGGGCTCAGGGGCCGAGTGCCCGTTGGAGAGCAGGCGGGCGCC-3'
Protein context (NP_001121700.2, residues 227-247): APEPRAGPAN[Arg237Cys]LAGSPPGSGQ

ClinVar aggregate classification (germline): Uncertain significance (1 of 4 stars; one submission).

gnomAD v4.1: 177 of 1,445,020 alleles (0.012%); highest among the groups gnomAD compares: Non-Finnish European, 0.012%; no homozygotes.

Submission:

Labcorp Genetics (formerly Invitae), Labcorp
Classification: Uncertain significance. Last evaluated: 2026-02-03. Review status: criteria provided, single submitter. Criteria: Invitae Variant Classification Sherloc (09022015). Collection method: clinical testing. Allele origin: germline.
Comment: This sequence change replaces arginine, which is basic and polar, with cysteine, which is neutral and slightly polar, at codon 237 of the TPRN protein (p.Arg237Cys). This variant is present in population databases (rs780457382, gnomAD 0.09%). This variant has not been reported in the literature in individuals affected with TPRN-related conditions. Invitae Evidence Modeling of protein sequence and biophysical properties (such as structural, functional, and spatial information, amino acid conservation, physicochemical variation, residue mobility, and thermodynamic stability) indicates that this missense variant is not expected to disrupt TPRN protein function with a negative predictive value of 80%. In summary, the available evidence is currently insufficient to determine the role of this variant in disease. Therefore, it has been classified as a Variant of Uncertain Significance.